The following is an entry in ClinVar:

NM_015192.4(PLCB1):c.3343G>A (p.Glu1115Lys)

Gene: PLCB1 (phospholipase C beta 1; plus strand). Cytogenetic location: 20p12.3.
Variant type: single nucleotide variant.
Coding change: c.3343G>A on transcript NM_015192.4 (MANE Select); coding-DNA position 3343, G replaced by A.
Protein change: p.Glu1115Lys; replaces glutamic acid 1115 with lysine.
Molecular consequence: missense variant.
Genome position (GRCh38, 1-based): chr20:8,790,181, G>A. VCF-style: chr20-8790181-G-A. GRCh37 (hg19) VCF-style: chr20-8770828-G-A.
Other names: c.3343G>A, p.Glu1115Lys (NM_182734.3); short protein forms E1115K.
Identifiers: ClinVar variation 1708730 (VCV001708730.2), dbSNP rs2514449258, ClinGen allele CA408210017.

ClinVar aggregate classification (germline): Uncertain significance (1 of 4 stars; one submission).

Submission:

GeneDx
Classification: Uncertain significance. Last evaluated: 2022-04-08. Review status: criteria provided, single submitter. Criteria: GeneDx Variant Classification Process June 2021. Collection method: clinical testing. Allele origin: germline. Affected: yes.
Comment: Not observed at significant frequency in large population cohorts (gnomAD); In silico analysis supports that this missense variant has a deleterious effect on protein structure/function; Has not been previously published as pathogenic or benign to our knowledge